The following is an entry in ClinVar:

NC_000023.10:g.(?_32827590)_(33357402_?)dup

Gene: DMD (dystrophin; minus strand). Cytogenetic location: Xp21.1.
Variant type: Duplication.
Identifiers: ClinVar variation 1067043 (VCV001067043.1).

ClinVar aggregate classification (germline): Likely pathogenic (1 of 4 stars; one submission).

Conditions:
Duchenne muscular dystrophy (DMD). Also called: MUSCULAR DYSTROPHY, PSEUDOHYPERTROPHIC PROGRESSIVE, DUCHENNE TYPE; Duchenne Muscular Dystrophy (DMD). Identifiers: Orphanet 98896, MedGen C0013264, MONDO:0010679, OMIM 310200.

Submission:

Labcorp Genetics (formerly Invitae), Labcorp
Classification: Likely pathogenic for Duchenne muscular dystrophy. Last evaluated: 2016-08-30. Review status: criteria provided, single submitter. Criteria: Invitae Variant Classification Sherloc (09022015). Collection method: clinical testing. Allele origin: germline.
Comment: This variant is a duplication of the genomic region encompassing exons 1-7 of the DMD gene. The 5' end of this event is unknown as it extends beyond the assayed region for this gene and therefore may encompass additional genes. The 3' boundary is likely confined to intron 7 of the DMD gene. This variant has been reported in an individual with Duchenne Muscular Dystrophy (PMID: 21515508). In addition, other duplications involving this region have also been reported in affected individuals (PMID: 17854090, 19730022). For these reasons, this variant has been classified as Likely Pathogenic.

Literature cited by the submitters: PubMed 21515508; PubMed 17854090; PubMed 19730022.